The following is an entry in ClinVar:

ClinVar aggregate classification (germline): Uncertain significance. Review status: criteria provided, multiple submitters, no conflicts (2 of 4 stars). 3 submissions from 3 submitters: Uncertain significance (3). Last evaluated 2024-03-05.

Conditions:
Inborn genetic diseases. Identifiers: MedGen C0950123, MeSH D030342.
Charcot-Marie-Tooth disease axonal type 2L. Also called: Charcot-Marie-Tooth Neuropathy Type 2L; CHARCOT-MARIE-TOOTH DISEASE, AXONAL, AUTOSOMAL DOMINANT, TYPE 2L; CHARCOT-MARIE-TOOTH NEUROPATHY, AXONAL, TYPE 2L. Identifiers: Orphanet 99945, MedGen C1837552, MONDO:0012096, OMIM 608673.

Allele frequency attached by ClinVar (database versions not stated): gnomAD 0.00001; TOPMed 0.00001; gnomAD exomes 0.00002 and 0.00007; ExAC 0.00003.
gnomAD v4.1: 96 of 1,611,086 alleles (0.006%); highest among the groups gnomAD compares: Non-Finnish European, 0.0081%; no homozygotes.

Submissions (3):

Athena Diagnostics
Classification: Uncertain significance. Last evaluated: 2024-03-05. Review status: criteria provided, single submitter. Criteria: Athena Diagnostics Criteria. Collection method: clinical testing. Allele origin: unknown.
Comment: Available data are insufficient to determine the clinical significance of the variant at this time. The frequency of this variant in the general population is higher than would generally be expected for pathogenic variants in this gene. Computational tools predict that this variant is not damaging.

Labcorp Genetics (formerly Invitae), Labcorp
Classification: Uncertain significance for Charcot-Marie-Tooth disease axonal type 2L. Last evaluated: 2023-12-21. Review status: criteria provided, single submitter. Criteria: Invitae Variant Classification Sherloc (09022015). Collection method: clinical testing. Allele origin: germline.
Comment: This sequence change replaces glutamic acid, which is acidic and polar, with lysine, which is basic and polar, at codon 94 of the HSPB8 protein (p.Glu94Lys). This variant is present in population databases (rs769296712, gnomAD 0.005%). This variant has not been reported in the literature in individuals affected with HSPB8-related conditions. ClinVar contains an entry for this variant (Variation ID: 863634). An algorithm developed to predict the effect of missense changes on protein structure and function (PolyPhen-2) suggests that this variant is likely to be tolerated. In summary, the available evidence is currently insufficient to determine the role of this variant in disease. Therefore, it has been classified as a Variant of Uncertain Significance.

Ambry Genetics
Classification: Uncertain significance for Inborn genetic diseases. Last evaluated: 2019-09-20. Review status: criteria provided, single submitter. Criteria: Ambry Variant Classification Scheme 2023. Collection method: clinical testing. Allele origin: germline.
Comment: The p.E94K variant (also known as c.280G>A), located in coding exon 1 of the HSPB8 gene, results from a G to A substitution at nucleotide position 280. The glutamic acid at codon 94 is replaced by lysine, an amino acid with similar properties. This amino acid position is well conserved in available vertebrate species. In addition, the in silico prediction for this alteration is inconclusive. Since supporting evidence is limited at this time, the clinical significance of this alteration remains unclear.

NM_014365.3(HSPB8):c.280G>A (p.Glu94Lys)

Gene: HSPB8 (heat shock protein family B (small) member 8; plus strand). Cytogenetic location: 12q24.23.
Variant type: single nucleotide variant.
Coding change: c.280G>A on transcript NM_014365.3 (MANE Select); coding-DNA position 280, G replaced by A.
Protein change: p.Glu94Lys; replaces glutamic acid 94 with lysine.
Molecular consequence: missense variant.
Genome position (GRCh38, 1-based): chr12:119,179,592, G>A. VCF-style: chr12-119179592-G-A. GRCh37 (hg19) VCF-style: chr12-119617397-G-A.
Other names: short protein forms E94K.
Identifiers: ClinVar variation 863634 (VCV000863634.12), dbSNP rs769296712, ClinGen allele CA6819541.